The following is an entry in ClinVar:

NM_001366385.1(CARD14):c.1799C>T (p.Pro600Leu)

Gene: CARD14 (caspase recruitment domain family member 14; plus strand). Cytogenetic location: 17q25.3.
Variant type: single nucleotide variant.
Coding change: c.1799C>T on transcript NM_001366385.1 (MANE Select); coding-DNA position 1799, C replaced by T.
Protein change: p.Pro600Leu; replaces proline 600 with leucine.
Molecular consequence: missense variant. On other transcripts: non-coding transcript variant (1).
Genome position (GRCh38, 1-based): chr17:80,198,539, C>T. VCF-style: chr17-80198539-C-T. GRCh37 (hg19) VCF-style: chr17-78172338-C-T.
Other names: c.1799C>T, p.Pro600Leu (NM_001257970.1, NM_024110.4); c.1088C>T, p.Pro363Leu (NM_052819.3); short protein forms P600L, P363L.
Identifiers: ClinVar variation 420354 (VCV000420354.8), dbSNP rs746260783, ClinGen allele CA8816994.
Genomic context (GRCh38, chr17:80,198,539, plus strand): 5'-TGGAGCAGATCAGCGTCATCGGCGGGAACCTCACGGGCATCTTCATCCACCGGGTCACCC[C>T]GGGCTCGGCGGCGGACCAGATGGCCTTGCGCCCGGGCACCCAGATTGTGATGGTGAGCCG-3'
Protein context (NP_001353314.1, residues 590-610): LTGIFIHRVT[Pro600Leu]GSAADQMALR

ClinVar aggregate classification (germline): Uncertain significance. Review status: criteria provided, multiple submitters, no conflicts (2 of 4 stars). 3 submissions from 3 submitters: Uncertain significance (3). Last evaluated 2025-02-10.

Conditions:
Autoinflammatory syndrome. Identifiers: Orphanet 93665, MedGen C3890737, MONDO:0019751.
Pityriasis rubra pilaris (PRP). Also called: Pityriasis rubra pilaris--familial type. Identifiers: Orphanet 2897, MedGen C0032027, MONDO:0100017, OMIM 173200, MONDO:0008251.
Psoriasis 2. Identifiers: MedGen C1864497, MONDO:0011269, OMIM 602723.

Allele frequency attached by ClinVar (database versions not stated): gnomAD 0.00001; gnomAD exomes 0.00002; TOPMed 0.00003; ExAC 0.00004.
gnomAD v4.1: 29 of 1,613,070 alleles (0.0018%); highest among the groups gnomAD compares: Middle Eastern, 0.033%; no homozygotes.

Submissions (3):

Labcorp Genetics (formerly Invitae), Labcorp
Classification: Uncertain significance for Pityriasis rubra pilaris; Psoriasis 2. Last evaluated: 2025-02-10. Review status: criteria provided, single submitter. Criteria: Invitae Variant Classification Sherloc (09022015). Collection method: clinical testing. Allele origin: germline.
Comment: This sequence change replaces proline, which is neutral and non-polar, with leucine, which is neutral and non-polar, at codon 600 of the CARD14 protein (p.Pro600Leu). This variant is present in population databases (rs746260783, gnomAD 0.003%). This variant has not been reported in the literature in individuals affected with CARD14-related conditions. ClinVar contains an entry for this variant (Variation ID: 420354). Invitae Evidence Modeling of protein sequence and biophysical properties (such as structural, functional, and spatial information, amino acid conservation, physicochemical variation, residue mobility, and thermodynamic stability) has been performed for this missense variant. However, the output from this modeling did not meet the statistical confidence thresholds required to predict the impact of this variant on CARD14 protein function. In summary, the available evidence is currently insufficient to determine the role of this variant in disease. Therefore, it has been classified as a Variant of Uncertain Significance.

Genome Diagnostics Laboratory, The Hospital for Sick Children
Classification: Uncertain significance for Autoinflammatory syndrome. Last evaluated: 2016-12-12. Review status: criteria provided, single submitter. Criteria: ACMG Guidelines, 2015. Collection method: clinical testing. Allele origin: germline. Affected: yes.

GeneDx
Classification: Uncertain significance. Last evaluated: 2016-01-26. Review status: criteria provided, single submitter. Criteria: GeneDx Variant Classification (06012015). Collection method: clinical testing. Allele origin: germline. Affected: yes.
Comment: The P600L variant in the CARD14 gene has not been reported previously as a pathogenic variant, nor as a benign variant, to our knowledge. The P600L variant was not observed in approximately 6500 individuals of European and African American ancestry in the NHLBI Exome Sequencing Project, indicating it is not a common benign variant in these populations. The P600L variant is a semi-conservative amino acid substitution, which may impact secondary protein structure as these residues differ in some properties. This substitution occurs at a position that is conserved in mammals. In silico analysis predicts this variant is probably damaging to the protein structure/function. We interpret P600L as a variant of uncertain significance.